The following is an entry in ClinVar:

NM_004629.2(FANCG):c.731T>G (p.Val244Gly)

Gene: FANCG (FA complementation group G; minus strand). Cytogenetic location: 9p13.3.
Variant type: single nucleotide variant.
Coding change: c.731T>G on transcript NM_004629.2 (MANE Select); coding-DNA position 731, T replaced by G.
Protein change: p.Val244Gly; replaces valine 244 with glycine.
Molecular consequence: missense variant.
Genome position (GRCh38, 1-based): chr9:35,077,017, A>C on the plus strand (T>G on the coding strand, the complement: FANCG is on the minus strand). VCF-style: chr9-35077017-A-C. GRCh37 (hg19) VCF-style: chr9-35077014-A-C.
Other names: short protein forms V244G.
Identifiers: ClinVar variation 4870975 (VCV004870975.1).

ClinVar aggregate classification (germline): Uncertain significance (1 of 4 stars; one submission).

Conditions:
Inborn genetic diseases. Identifiers: MedGen C0950123, MeSH D030342.

Submission:

Ambry Genetics
Classification: Uncertain significance for Inborn genetic diseases. Last evaluated: 2026-03-19. Review status: criteria provided, single submitter. Criteria: Ambry Variant Classification Scheme 2023. Collection method: clinical testing. Allele origin: germline.
Comment: The p.V244G variant (also known as c.731T>G), located in coding exon 6 of the FANCG gene, results from a T to G substitution at nucleotide position 731. The valine at codon 244 is replaced by glycine, an amino acid with dissimilar properties. This amino acid position is conserved. In addition, this alteration is predicted to be tolerated by in silico analysis. Based on the available evidence, the clinical significance of this variant remains unclear.